The following is an entry in ClinVar:

ClinVar aggregate classification (germline): Uncertain significance (1 of 4 stars; one submission).

Conditions:
TTC21B-related disorder. Also called: TTC21B-related disorders; TTC21B-related condition.

gnomAD v4.1: 28 of 1,613,792 alleles (0.0017%); highest among the groups gnomAD compares: Non-Finnish European, 0.0023%; no homozygotes.

Submission:

PreventionGenetics, part of Exact Sciences
Classification: Uncertain significance for TTC21B-related condition. Last evaluated: 2025-05-11. Review status: criteria provided, single submitter. Criteria: ACMG Guidelines, 2015. Collection method: clinical testing. Allele origin: germline.
Comment: The TTC21B c.344G>A variant is predicted to result in the amino acid substitution p.Gly115Asp. To our knowledge, this variant has not been reported in the literature or in a large population database (gnomAD), indicating this variant is rare. At this time, the clinical significance of this variant is uncertain due to the absence of conclusive functional and genetic evidence.

NM_024753.5(TTC21B):c.344G>A (p.Gly115Asp)

Genes: TTC21B (tetratricopeptide repeat domain 21B; minus strand), TTC21B-AS1 (TTC21B antisense RNA 1; plus strand). Cytogenetic location: 2q24.3.
Variant type: single nucleotide variant.
Coding change: c.344G>A on transcript NM_024753.5 (MANE Select); coding-DNA position 344, G replaced by A.
Protein change: p.Gly115Asp; replaces glycine 115 with aspartic acid.
Molecular consequence: missense variant.
Genome position (GRCh38, 1-based): chr2:165,945,609, C>T on the plus strand (G>A on the coding strand, the complement: TTC21B is on the minus strand). VCF-style: chr2-165945609-C-T. GRCh37 (hg19) VCF-style: chr2-166802119-C-T.
Other names: short protein forms G115D.
Identifiers: ClinVar variation 4988909 (VCV004988909.1).